The following is an entry in ClinVar:

ClinVar aggregate classification (germline): Uncertain significance (1 of 4 stars; one submission).

Allele frequency attached by ClinVar (database versions not stated): gnomAD exomes below 0.00001.
gnomAD v4.1: 1 of 1,604,964 alleles (0.000062%); highest among the groups gnomAD compares: Non-Finnish European, 0.000085%; no homozygotes.

Submission:

Labcorp Genetics (formerly Invitae), Labcorp
Classification: Uncertain significance. Last evaluated: 2022-08-23. Review status: criteria provided, single submitter. Criteria: Invitae Variant Classification Sherloc (09022015). Collection method: clinical testing. Allele origin: germline.
Comment: This sequence change replaces glutamic acid, which is acidic and polar, with lysine, which is basic and polar, at codon 113 of the TMED7 protein (p.Glu113Lys). This variant is not present in population databases (gnomAD no frequency). This variant has not been reported in the literature in individuals affected with TMED7-related conditions. ClinVar contains an entry for this variant (Variation ID: 1384740). Algorithms developed to predict the effect of missense changes on protein structure and function are either unavailable or do not agree on the potential impact of this missense change (SIFT: "Deleterious"; PolyPhen-2: "Probably Damaging"; Align-GVGD: "Class C15"). In summary, the available evidence is currently insufficient to determine the role of this variant in disease. Therefore, it has been classified as a Variant of Uncertain Significance.

NM_181836.6(TMED7):c.337G>A (p.Glu113Lys)

Genes: TMED7 (transmembrane p24 trafficking protein 7; minus strand), TMED7-TICAM2 (TMED7-TICAM2 readthrough; minus strand). Cytogenetic location: 5q22.3.
Variant type: single nucleotide variant.
Coding change: c.337G>A on transcript NM_181836.6 (MANE Select); coding-DNA position 337, G replaced by A.
Protein change: p.Glu113Lys; replaces glutamic acid 113 with lysine.
Molecular consequence: missense variant.
Genome position (GRCh38, 1-based): chr5:115,620,536, C>T on the plus strand (G>A on the coding strand, the complement: TMED7 is on the minus strand). VCF-style: chr5-115620536-C-T. GRCh37 (hg19) VCF-style: chr5-114956233-C-T.
Other names: c.337G>A, p.Glu113Lys (NM_001164468.4, NM_001164469.4); short protein forms E113K.
Identifiers: ClinVar variation 1384740 (VCV001384740.6), dbSNP rs1756992063, ClinGen allele CA360713740.